The following is an entry in ClinVar:

NM_002485.5(NBN):c.1730A>T (p.Asp577Val)

Gene: NBN (nibrin; minus strand). Cytogenetic location: 8q21.3.
Variant type: single nucleotide variant.
Coding change: c.1730A>T on transcript NM_002485.5 (MANE Select); coding-DNA position 1730, A replaced by T.
Protein change: p.Asp577Val; replaces aspartic acid 577 with valine.
Molecular consequence: missense variant.
Genome position (GRCh38, 1-based): chr8:89,953,359, T>A on the plus strand (A>T on the coding strand, the complement: NBN is on the minus strand). VCF-style: chr8-89953359-T-A. GRCh37 (hg19) VCF-style: chr8-90965587-T-A.
Other names: c.1484A>T, p.Asp495Val (NM_001024688.3); short protein forms D495V, D577V.
Identifiers: ClinVar variation 962991 (VCV000962991.16), dbSNP rs1341969209, ClinGen allele CA371655223.

ClinVar aggregate classification (germline): Uncertain significance. Review status: criteria provided, multiple submitters, no conflicts (2 of 4 stars). 3 submissions from 3 submitters: Uncertain significance (2). 1 of the submissions does not count toward it. Last evaluated 2025-08-13.

Conditions:
Hereditary cancer-predisposing syndrome. Also called: Hereditary neoplastic syndrome; Tumor predisposition; Neoplastic Syndromes, Hereditary; Hereditary Cancer Syndrome. Identifiers: Orphanet 140162, MedGen C0027672, MeSH D009386, MONDO:0015356.
Microcephaly, normal intelligence and immunodeficiency (NBS). Also called: Immunodeficiency, microcephaly with normal intelligence; Nijmegen breakage syndrome; Ataxia telangiectasia variant V1; SEEMANOVA SYNDROME II; BERLIN BREAKAGE SYNDROME; IMMUNODEFICIENCY, MICROCEPHALY, AND CHROMOSOMAL INSTABILITY. Identifiers: Orphanet 647, MedGen C0398791, MONDO:0009623, OMIM 251260.

Allele frequency attached by ClinVar (database versions not stated): gnomAD exomes 0.00001.
gnomAD v4.1: 2 of 1,613,602 alleles (0.00012%); highest among the groups gnomAD compares: Admixed American, 0.0033%; no homozygotes.

Submissions (3):

Labcorp Genetics (formerly Invitae), Labcorp
Classification: Uncertain significance for Microcephaly, normal intelligence and immunodeficiency. Last evaluated: 2025-08-13. Review status: criteria provided, single submitter. Criteria: Invitae Variant Classification Sherloc (09022015). Collection method: clinical testing. Allele origin: germline.
Comment: This sequence change replaces aspartic acid, which is acidic and polar, with valine, which is neutral and non-polar, at codon 577 of the NBN protein (p.Asp577Val). This variant is present in population databases (no rsID available, gnomAD 0.006%). This variant has not been reported in the literature in individuals affected with NBN-related conditions. ClinVar contains an entry for this variant (Variation ID: 962991). An algorithm developed to predict the effect of missense changes on protein structure and function (PolyPhen-2) suggests that this variant is likely to be tolerated. In summary, the available evidence is currently insufficient to determine the role of this variant in disease. Therefore, it has been classified as a Variant of Uncertain Significance.

Ambry Genetics
Classification: Uncertain significance for Hereditary cancer-predisposing syndrome. Last evaluated: 2025-08-12. Review status: criteria provided, single submitter. Criteria: Ambry Variant Classification Scheme 2023. Collection method: clinical testing. Allele origin: germline.
Comment: The p.D577V variant (also known as c.1730A>T), located in coding exon 11 of the NBN gene, results from an A to T substitution at nucleotide position 1730. The aspartic acid at codon 577 is replaced by valine, an amino acid with highly dissimilar properties. This amino acid position is conserved. In addition, this alteration is predicted to be tolerated by in silico analysis. Since supporting evidence is limited at this time, the clinical significance of this alteration remains unclear.

Natera, Inc.
Classification: Uncertain significance for Nijmegen breakage syndrome. Last evaluated: 2020-09-14. Review status: no assertion criteria provided. Collection method: clinical testing. Allele origin: germline. Not counted in ClinVar's aggregate classification.